The following is an entry in ClinVar:

ClinVar aggregate classification (germline): Uncertain significance. Review status: criteria provided, multiple submitters, no conflicts (2 of 4 stars). 8 submissions from 8 submitters: Uncertain significance (8). Last evaluated 2026-06-04.

Conditions:
Endometrial carcinoma. Also called: Endometrial carcinoma, somatic. Identifiers: MedGen C0476089, MONDO:0002447, OMIM 608089, HP:0012114.
Familial adenomatous polyposis 4 (FAP4). Also called: MSH3-related attenuated familial adenomatous polyposis. Identifiers: Orphanet 480536, MedGen C4310719, MONDO:0044300, OMIM 617100.
Hereditary cancer-predisposing syndrome. Also called: Neoplastic Syndromes, Hereditary; Tumor predisposition; Hereditary neoplastic syndrome; Hereditary Cancer Syndrome. Identifiers: Orphanet 140162, MedGen C0027672, MeSH D009386, MONDO:0015356.
MSH3-related disorder. Also called: MSH3-related condition.

Allele frequency attached by ClinVar (database versions not stated): ExAC 0.00002; ESP Exome Variant Server 0.00008; gnomAD 0.00008 and 0.00009; TOPMed 0.00009.
gnomAD v4.1: 20 of 1,586,736 alleles (0.0013%); highest among the groups gnomAD compares: African/African-American, 0.02%; no homozygotes.

Submissions (8):

PreventionGenetics, part of Exact Sciences
Classification: Uncertain significance for MSH3-related condition. Last evaluated: 2026-06-04. Review status: criteria provided, single submitter. Criteria: ACMG Guidelines, 2015. Collection method: clinical testing. Allele origin: germline.
Comment: The MSH3 c.2281G>T variant is predicted to result in the amino acid substitution p.Val761Leu. This variant has been identified in one individual in a cohort study of over 1,200 colorectal cancer cases via targeted gene sequencing (Table S2. DeRycke et al 2017. PubMed ID: 28944238). It is reported in 0.028% of alleles in individuals of African descent in gnomAD. This variant is interpreted as a variant of uncertain significance in ClinVar (Variation ID: 649891). At this time, the clinical significance of this variant is uncertain due to the absence of conclusive functional and genetic evidence.

St. Jude Molecular Pathology, St. Jude Children's Research Hospital
Classification: Uncertain significance for Familial adenomatous polyposis 4. Last evaluated: 2026-02-11. Review status: criteria provided, single submitter. Criteria: St. Jude Assertion Criteria 2020. Collection method: clinical testing. Allele origin: germline.
Comment: The MSH3 c.2281G>T p.(Val761Leu) missense change has a maximum subpopulation frequency of 0.03% in gnomAD v2.1.1. The in silico tool REVEL predicts a benign effect on protein function, but to our knowledge this prediction has not been confirmed by functional studies. To our knowledge, this variant has not been reported in individuals with MSH3-associated polyposis syndrome. In summary, the evidence currently available is insufficient to determine the clinical significance of this variant. It has therefore been classified as of uncertain significance.

Labcorp Genetics (formerly Invitae), Labcorp
Classification: Uncertain significance. Last evaluated: 2026-01-20. Review status: criteria provided, single submitter. Criteria: Invitae Variant Classification Sherloc (09022015). Collection method: clinical testing. Allele origin: germline.
Comment: This sequence change replaces valine, which is neutral and non-polar, with leucine, which is neutral and non-polar, at codon 761 of the MSH3 protein (p.Val761Leu). This variant is present in population databases (rs376555325, gnomAD 0.03%). This missense change has been observed in individual(s) with MSH3-related conditions (PMID: 28944238). ClinVar contains an entry for this variant (Variation ID: 649891). An algorithm developed to predict the effect of missense changes on protein structure and function outputs the following: PolyPhen-2: "Benign". The leucine amino acid residue is found in multiple mammalian species, which suggests that this missense change does not adversely affect protein function. RNA analysis performed to evaluate the impact of this missense change on mRNA splicing indicates it does not significantly alter splicing (internal data). In summary, the available evidence is currently insufficient to determine the role of this variant in disease. Therefore, it has been classified as a Variant of Uncertain Significance.

Quest Diagnostics Nichols Institute San Juan Capistrano
Classification: Uncertain significance. Last evaluated: 2025-05-06. Review status: criteria provided, single submitter. Criteria: Quest Diagnostics criteria. Collection method: clinical testing. Allele origin: unknown.
Comment: The MSH3 c.2281G>T (p.Val761Leu) variant has been reported in the published literature in individuals with colorectal cancer (PMID: 28944238 (2017)). The frequency of this variant in the general population (Genome Aggregation Database) is uninformative in the assessment of its pathogenicity. Analysis of this variant using bioinformatics tools for the prediction of the effect of amino acid changes on protein structure and function yielded predictions that this variant is benign. Based on the available information, we are unable to determine the clinical significance of this variant.

Fulgent Genetics
Classification: Uncertain significance for Endometrial carcinoma; Familial adenomatous polyposis 4. Last evaluated: 2024-05-23. Review status: criteria provided, single submitter. Criteria: ACMG Guidelines, 2015. Collection method: clinical testing. Allele origin: germline.

GeneDx
Classification: Uncertain significance. Last evaluated: 2024-05-03. Review status: criteria provided, single submitter. Criteria: GeneDx Variant Classification Process June 2021. Collection method: clinical testing. Allele origin: germline.
Comment: In silico analysis indicates that this missense variant does not alter protein structure/function; Observed in an individual with colorectal cancer (PMID: 28944238); This variant is associated with the following publications: (PMID: 28944238)

Ambry Genetics
Classification: Uncertain significance for Hereditary cancer-predisposing syndrome. Last evaluated: 2024-02-22. Review status: criteria provided, single submitter. Criteria: Ambry Variant Classification Scheme 2023. Collection method: clinical testing. Allele origin: germline.
Comment: The p.V761L variant (also known as c.2281G>T), located in coding exon 16 of the MSH3 gene, results from a G to T substitution at nucleotide position 2281. The valine at codon 761 is replaced by leucine, an amino acid with highly similar properties. This alteration was identified in an individual diagnosed with colorectal cancer (DeRycke MS et al. Mol Genet Genomic Med, 2017 Sep;5:553-569). This amino acid position is not well conserved in available vertebrate species. In addition, this alteration is predicted to be tolerated by in silico analysis. Since supporting evidence is limited at this time, the clinical significance of this alteration remains unclear.

Baylor Genetics
Classification: Uncertain significance for Endometrial carcinoma. Last evaluated: 2023-12-26. Review status: criteria provided, single submitter. Criteria: ACMG Guidelines, 2015. Collection method: clinical testing. Allele origin: unknown.

Literature cited by the submitters: PubMed 28944238 (cited by 3 submitters).

NM_002439.5(MSH3):c.2281G>T (p.Val761Leu)

Gene: MSH3 (mutS homolog 3; plus strand). Cytogenetic location: 5q14.1.
Variant type: single nucleotide variant.
Coding change: c.2281G>T on transcript NM_002439.5 (MANE Select); coding-DNA position 2281, G replaced by T.
Protein change: p.Val761Leu; replaces valine 761 with leucine.
Molecular consequence: missense variant.
Genome position (GRCh38, 1-based): chr5:80,775,721, G>T. VCF-style: chr5-80775721-G-T. GRCh37 (hg19) VCF-style: chr5-80071540-G-T.
Other names: short protein forms V761L.
Identifiers: ClinVar variation 649891 (VCV000649891.22), dbSNP rs376555325, ClinGen allele CA3328188.